The following is an entry in ClinVar:

NM_032638.5(GATA2):c.905C>T (p.Ala302Val)

Gene: GATA2 (GATA binding protein 2; minus strand). Cytogenetic location: 3q21.3.
Variant type: single nucleotide variant.
Coding change: c.905C>T on transcript NM_032638.5 (MANE Select); coding-DNA position 905, C replaced by T.
Protein change: p.Ala302Val; replaces alanine 302 with valine.
Molecular consequence: missense variant.
Genome position (GRCh38, 1-based): chr3:128,483,972, G>A on the plus strand (C>T on the coding strand, the complement: GATA2 is on the minus strand). VCF-style: chr3-128483972-G-A. GRCh37 (hg19) VCF-style: chr3-128202815-G-A.
Other names: c.905C>T (NM_001145661.1); c.905C>T, p.Ala302Val (NM_001145661.2, NM_001145662.1); short protein forms A302V.
Identifiers: ClinVar variation 956340 (VCV000956340.11), dbSNP rs1237462942, ClinGen allele CA354404802.

ClinVar aggregate classification (germline): Uncertain significance. Review status: criteria provided, multiple submitters, no conflicts (2 of 4 stars). 3 submissions from 3 submitters: Uncertain significance (3). Last evaluated 2026-07-06.

Conditions:
Inborn genetic diseases. Identifiers: MedGen C0950123, MeSH D030342.
Deafness-lymphedema-leukemia syndrome. Also called: Lymphedema, primary, with myelodysplasia; Emberger syndrome. Identifiers: Orphanet 3226, MedGen C3279664, MONDO:0013540, OMIM 614038.
Monocytopenia with susceptibility to infections. Also called: COMBINED IMMUNODEFICIENCY WITH SUSCEPTIBILITY TO MYCOBACTERIAL, VIRAL, AND FUNGAL INFECTIONS; MONOCYTOPENIA AND MYCOBACTERIAL INFECTION SYNDROME; MONOCYTOPENIA WITH SUSCEPTIBILITY TO MYCOBACTERIAL, FUNGAL, AND PAPILLOMAVIRUS INFECTIONS AND MYELODYSPLASIA; Dendritic cell, monocyte, B lymphocyte, and natural killer lymphocyte deficiency; IMMUNODEFICIENCY 21; GATA2 DEFICIENCY. Identifiers: Orphanet 228423, MedGen C3280030, MONDO:0013607, OMIM 614172.
GATA2-related disorder. Also called: GATA2-Related Disorders; GATA2-related condition.

Allele frequency attached by ClinVar (database versions not stated): gnomAD exomes below 0.00001.
gnomAD v4.1: 3 of 1,614,002 alleles (0.00019%); highest among the groups gnomAD compares: Non-Finnish European, 0.00025%; no homozygotes.

Submissions (3):

Ambry Genetics
Classification: Uncertain significance for Inborn genetic diseases. Last evaluated: 2026-07-06. Review status: criteria provided, single submitter. Criteria: Ambry Variant Classification Scheme 2023. Collection method: clinical testing. Allele origin: germline.
Comment: The p.A302V variant (also known as c.905C>T), located in coding exon 3 of the GATA2 gene, results from a C to T substitution at nucleotide position 905. The alanine at codon 302 is replaced by valine, an amino acid with similar properties. This amino acid position is conserved. In addition, the in silico prediction for this alteration is inconclusive. Based on the available evidence, the clinical significance of this variant remains unclear.

PreventionGenetics, part of Exact Sciences
Classification: Uncertain significance for GATA2-related condition. Last evaluated: 2023-05-30. Review status: criteria provided, single submitter. Criteria: ACMG Guidelines, 2015. Collection method: clinical testing. Allele origin: germline.
Comment: The GATA2 c.905C>T variant is predicted to result in the amino acid substitution p.Ala302Val. To our knowledge, this variant has not been reported in the literature. This variant is reported in 0.00088% of alleles in individuals of European (Non-Finnish) descent in gnomAD. At this time, the clinical significance of this variant is uncertain due to the absence of conclusive functional and genetic evidence.

Labcorp Genetics (formerly Invitae), Labcorp
Classification: Uncertain significance for Monocytopenia with susceptibility to infections; Deafness-lymphedema-leukemia syndrome. Last evaluated: 2019-08-31. Review status: criteria provided, single submitter. Criteria: Invitae Variant Classification Sherloc (09022015). Collection method: clinical testing. Allele origin: germline.
Comment: In summary, the available evidence is currently insufficient to determine the role of this variant in disease. Therefore, it has been classified as a Variant of Uncertain Significance. Algorithms developed to predict the effect of missense changes on protein structure and function are either unavailable or do not agree on the potential impact of this missense change (SIFT: "Tolerated"; PolyPhen-2: "Probably Damaging"; Align-GVGD: "Class C0"). This variant has not been reported in the literature in individuals with GATA2-related conditions. This variant is not present in population databases (ExAC no frequency). This sequence change replaces alanine with valine at codon 302 of the GATA2 protein (p.Ala302Val). The alanine residue is moderately conserved and there is a small physicochemical difference between alanine and valine.